The following is an entry in ClinVar:

NM_000501.4(ELN):c.1253C>T (p.Ala418Val)

Gene: ELN (elastin; plus strand). Cytogenetic location: 7q11.23.
Variant type: single nucleotide variant.
Coding change: c.1253C>T on transcript NM_000501.4 (MANE Select); coding-DNA position 1253, C replaced by T.
Protein change: p.Ala418Val; replaces alanine 418 with valine.
Molecular consequence: missense variant. On other transcripts: intron variant (2).
Genome position (GRCh38, 1-based): chr7:74,056,373, C>T. VCF-style: chr7-74056373-C-T. GRCh37 (hg19) VCF-style: chr7-73470703-C-T.
Other names: c.1223C>T, p.Ala408Val (NM_001081752.3, NM_001278917.2); c.1268C>T, p.Ala423Val (NM_001081753.3, NM_001081754.3); c.1253C>T, p.Ala418Val (NM_001081755.3, NM_001278912.2, NM_001278915.2 and 1 more transcripts); c.1238C>T, p.Ala413Val (NM_001278914.2); c.1211C>T, p.Ala404Val (NM_001278916.2); c.1129+16C>T (NM_001278913.2); c.1105+16C>T (NM_001278918.2); short protein forms A404V, A408V, A418V, A413V, A423V.
Identifiers: ClinVar variation 4722431 (VCV004722431.1).

ClinVar aggregate classification (germline): Uncertain significance (1 of 4 stars; one submission).

Conditions:
Supravalvar aortic stenosis (SVAS). Also called: Supravalvar aortic stenosis, Eisenberg type. Identifiers: Orphanet 3193, MedGen C0003499, MONDO:0008504, OMIM 185500, HP:0004381.

Submission:

Labcorp Genetics (formerly Invitae), Labcorp
Classification: Uncertain significance for Supravalvar aortic stenosis. Last evaluated: 2025-07-01. Review status: criteria provided, single submitter. Criteria: Invitae Variant Classification Sherloc (09022015). Collection method: clinical testing. Allele origin: germline.
Comment: This sequence change replaces alanine, which is neutral and non-polar, with valine, which is neutral and non-polar, at codon 418 of the ELN protein (p.Ala418Val). This variant is not present in population databases (gnomAD no frequency). This variant has not been reported in the literature in individuals affected with ELN-related conditions. Experimental studies and prediction algorithms are not available or were not evaluated, and the functional significance of this variant is currently unknown. In summary, the available evidence is currently insufficient to determine the role of this variant in disease. Therefore, it has been classified as a Variant of Uncertain Significance.